The following is an entry in ClinVar:

ClinVar aggregate classification (germline): Uncertain significance. Review status: criteria provided, multiple submitters, no conflicts (2 of 4 stars). 3 submissions from 3 submitters: Uncertain significance (3). Last evaluated 2025-10-28.

Conditions:
Hereditary cancer-predisposing syndrome. Also called: Hereditary neoplastic syndrome; Tumor predisposition; Neoplastic Syndromes, Hereditary; Hereditary Cancer Syndrome. Identifiers: Orphanet 140162, MedGen C0027672, MeSH D009386, MONDO:0015356.
Neuroblastoma, susceptibility to, 3. Also called: ALK-Related Neuroblastic Tumor Susceptibility. Identifiers: Orphanet 635, MedGen C2751681, MONDO:0013083, OMIM 613014.

Submissions (3):

Ambry Genetics
Classification: Uncertain significance for Hereditary cancer-predisposing syndrome. Last evaluated: 2025-10-28. Review status: criteria provided, single submitter. Criteria: Ambry Variant Classification Scheme 2023. Collection method: clinical testing. Allele origin: germline.
Comment: The p.V559I variant (also known as c.1675G>A), located in coding exon 9 of the ALK gene, results from a G to A substitution at nucleotide position 1675. The valine at codon 559 is replaced by isoleucine, an amino acid with highly similar properties. This amino acid position is conserved. In addition, this alteration is predicted to be tolerated by in silico analysis. Since supporting evidence is limited at this time, the clinical significance of this alteration remains unclear.

Labcorp Genetics (formerly Invitae), Labcorp
Classification: Uncertain significance for Neuroblastoma, susceptibility to, 3. Last evaluated: 2024-06-13. Review status: criteria provided, single submitter. Criteria: Invitae Variant Classification Sherloc (09022015). Collection method: clinical testing. Allele origin: germline.
Comment: This sequence change replaces valine, which is neutral and non-polar, with isoleucine, which is neutral and non-polar, at codon 559 of the ALK protein (p.Val559Ile). This variant is not present in population databases (gnomAD no frequency). This variant has not been reported in the literature in individuals affected with ALK-related conditions. ClinVar contains an entry for this variant (Variation ID: 855607). An algorithm developed to predict the effect of missense changes on protein structure and function (PolyPhen-2) suggests that this variant is likely to be tolerated. In summary, the available evidence is currently insufficient to determine the role of this variant in disease. Therefore, it has been classified as a Variant of Uncertain Significance.

Baylor Genetics
Classification: Uncertain significance for Neuroblastoma, susceptibility to, 3. Last evaluated: 2023-11-20. Review status: criteria provided, single submitter. Criteria: ACMG Guidelines, 2015. Collection method: clinical testing. Allele origin: unknown.

NM_004304.5(ALK):c.1675G>A (p.Val559Ile)

Gene: ALK (ALK receptor tyrosine kinase; minus strand). Cytogenetic location: 2p23.2.
Variant type: single nucleotide variant.
Coding change: c.1675G>A on transcript NM_004304.5 (MANE Select); coding-DNA position 1675, G replaced by A.
Protein change: p.Val559Ile; replaces valine 559 with isoleucine.
Molecular consequence: missense variant.
Genome position (GRCh38, 1-based): chr2:29,297,030, C>T on the plus strand (G>A on the coding strand, the complement: ALK is on the minus strand). VCF-style: chr2-29297030-C-T. GRCh37 (hg19) VCF-style: chr2-29519896-C-T.
Other names: short protein forms V559I.
Identifiers: ClinVar variation 855607 (VCV000855607.13), dbSNP rs1666207586, ClinGen allele CA346466609.